The following is an entry in ClinVar:

ClinVar aggregate classification (germline): Uncertain significance (1 of 4 stars; one submission).

Conditions:
Inborn genetic diseases. Identifiers: MedGen C0950123, MeSH D030342.

Allele frequency attached by ClinVar (database versions not stated): gnomAD 0.00001; TOPMed below 0.00001; ExAC 0.00003; gnomAD exomes 0.00001.
gnomAD v4.1: 11 of 1,607,348 alleles (0.00068%); highest among the groups gnomAD compares: Admixed American, 0.0034%; no homozygotes.

Submission:

Ambry Genetics
Classification: Uncertain significance for Inborn genetic diseases. Last evaluated: 2026-07-08. Review status: criteria provided, single submitter. Criteria: Ambry Variant Classification Scheme 2023. Collection method: clinical testing. Allele origin: germline.
Comment: The c.3320T>G (p.L1107R) alteration is located in exon 28 (coding exon 28) of the KCNT2 gene. This alteration results from a T to G substitution at nucleotide position 3320, causing the leucine (L) at amino acid position 1107 to be replaced by an arginine (R). Based on data from gnomAD, the G allele has an overall frequency of 0.002% (6/248186) total alleles studied. The highest observed frequency was 0.006% (1/16082) of African alleles. Based on insufficient or conflicting evidence, the clinical significance of this alteration remains unclear.

NM_198503.5(KCNT2):c.3320T>G (p.Leu1107Arg)

Gene: KCNT2 (potassium sodium-activated channel subfamily T member 2; minus strand). Cytogenetic location: 1q31.3.
Variant type: single nucleotide variant.
Coding change: c.3320T>G on transcript NM_198503.5 (MANE Select); coding-DNA position 3320, T replaced by G.
Protein change: p.Leu1107Arg; replaces leucine 1107 with arginine.
Molecular consequence: missense variant. On other transcripts: non-coding transcript variant (2).
Genome position (GRCh38, 1-based): chr1:196,228,312, A>C on the plus strand (T>G on the coding strand, the complement: KCNT2 is on the minus strand). VCF-style: chr1-196228312-A-C. GRCh37 (hg19) VCF-style: chr1-196197442-A-C.
Other names: c.3248T>G, p.Leu1083Arg (NM_001287819.3); c.3119T>G, p.Leu1040Arg (NM_001287820.3); short protein forms L1083R, L1040R, L1107R.
Identifiers: ClinVar variation 3113518 (VCV003113518.2), dbSNP rs765518576, ClinGen allele CA1303939.